The following is an entry in ClinVar:

ClinVar aggregate classification (germline): Pathogenic. Review status: criteria provided, multiple submitters, no conflicts (2 of 4 stars). 2 submissions from 2 submitters: Pathogenic (2). Last evaluated 2025-03-21.

Submissions (2):

GeneDx
Classification: Pathogenic. Last evaluated: 2025-03-21. Review status: criteria provided, single submitter. Criteria: GeneDx Variant Classification Process June 2021. Collection method: clinical testing. Allele origin: germline. Affected: yes.
Comment: Frameshift variant predicted to result in protein truncation or nonsense mediated decay in a gene for which loss of function is a known mechanism of disease; Not observed at significant frequency in large population cohorts (gnomAD); This variant is associated with the following publications: (PMID: 33860439, 28554332)

HudsonAlpha Institute for Biotechnology
Classification: Pathogenic. Last evaluated: 2016-05-12. Review status: criteria provided, single submitter. Criteria: HA_assertions_20161101. Collection method: research. Allele origin: de novo. Affected: yes. Observed: 1 variant allele. Study: CSER-HudsonAlpha.

NM_001378418.1(TCF20):c.5385_5386del (p.Cys1795fs)

Gene: TCF20 (transcription factor 20; minus strand). Cytogenetic location: 22q13.2.
Variant type: Microsatellite.
Coding change: c.5385_5386del on transcript NM_001378418.1 (MANE Select); coding-DNA positions 5385 to 5386, 2 bases deleted (TG; older notation c.5385_5386delTG).
Protein change: p.Cys1795fs; shifts the reading frame from cysteine 1795.
Molecular consequence: frameshift variant.
Genome position (GRCh38, 1-based): chr22:42,209,920-42,209,921, CA deleted on the plus strand (TG on the coding strand, the reverse complement: TCF20 is on the minus strand); deleting any 2 consecutive bases within chr22:42,209,920-42,209,923 gives the same sequence; the c. name uses the placement nearest the transcript's 3' end. VCF-style (leftmost placement, unchanged base first): chr22-42209919-CCA-C. GRCh37 (hg19) VCF-style: chr22-42605925-CCA-C.
Other names: c.5385_5386del (NM_005650.1); c.5385_5386del, p.Cys1795fs (NM_005650.4, NM_181492.3); short protein forms C1795fs.
Identifiers: ClinVar variation 224102 (VCV000224102.3), dbSNP rs869312678, ClinGen allele CA354949.